The following is an entry in ClinVar:

ClinVar aggregate classification (germline): Uncertain significance (1 of 4 stars; one submission).

Conditions:
Hereditary cancer-predisposing syndrome. Also called: Neoplastic Syndromes, Hereditary; Tumor predisposition; Hereditary Cancer Syndrome; Hereditary neoplastic syndrome. Identifiers: Orphanet 140162, MedGen C0027672, MeSH D009386, MONDO:0015356.

Submission:

Ambry Genetics
Classification: Uncertain significance for Hereditary cancer-predisposing syndrome. Last evaluated: 2025-06-11. Review status: criteria provided, single submitter. Criteria: Ambry Variant Classification Scheme 2023. Collection method: clinical testing. Allele origin: germline.
Comment: The c.370+5G>A intronic variant results from a G to A substitution 5 nucleotides after coding exon 4 in the CDC73 gene. This nucleotide position is not well conserved in available vertebrate species. In silico splice site analysis predicts that this alteration will not have any significant effect on splicing; however, direct evidence is insufficient at this time (Ambry internal data). Based on the available evidence, the clinical significance of this variant remains unclear.

NM_024529.5(CDC73):c.370+5G>A

Gene: CDC73 (cell division cycle 73; plus strand). Cytogenetic location: 1q31.2.
Variant type: single nucleotide variant.
Coding change: c.370+5G>A on transcript NM_024529.5 (MANE Select); 5 bases into the intron after coding-DNA position 370, G replaced by A.
Molecular consequence: intron variant.
Genome position (GRCh38, 1-based): chr1:193,135,458, G>A. VCF-style: chr1-193135458-G-A. GRCh37 (hg19) VCF-style: chr1-193104588-G-A.
Identifiers: ClinVar variation 1734098 (VCV001734098.3), dbSNP rs2527311980, ClinGen allele CA2580061733.